The following is an entry in ClinVar:

NM_001033044.4(GLUL):c.68_82del (p.Gly23_Gln27del)

Gene: GLUL (glutamate-ammonia ligase; minus strand). Cytogenetic location: 1q25.3.
Variant type: Deletion.
Coding change: c.68_82del on transcript NM_001033044.4 (MANE Select); coding-DNA positions 68 to 82, 15 bases deleted (GTGAGAAAGTCCAGG).
Protein change: p.Gly23_Gln27del.
Molecular consequence: inframe deletion.
Genome position (GRCh38, 1-based): chr1:182,388,656-182,388,670, CCTGGACTTTCTCAC deleted on the plus strand (GTGAGAAAGTCCAGG on the coding strand, the reverse complement: GLUL is on the minus strand); deleting any 15 consecutive bases within chr1:182,388,656-182,388,674 gives the same sequence; the c. name uses the placement nearest the transcript's 3' end. VCF-style (leftmost placement, unchanged base first): chr1-182388655-GCCTGGACTTTCTCAC-G. GRCh37 (hg19) VCF-style: chr1-182357790-GCCTGGACTTTCTCAC-G.
Other names: c.68_82del, p.Gly23_Gln27del (NM_001033056.4, NM_002065.7).
Identifiers: ClinVar variation 2023587 (VCV002023587.4), dbSNP rs2525592456, ClinGen allele CA2580061718.

ClinVar aggregate classification (germline): Uncertain significance (1 of 4 stars; one submission).

Conditions:
Congenital brain dysgenesis due to glutamine synthetase deficiency (GLND). Also called: GLUTAMINE SYNTHASE DEFICIENCY, CONGENITAL SYSTEMIC. Identifiers: Orphanet 71278, MedGen C1864910, MONDO:0012393, OMIM 610015.

Submission:

Labcorp Genetics (formerly Invitae), Labcorp
Classification: Uncertain significance for Congenital brain dysgenesis due to glutamine synthetase deficiency. Last evaluated: 2024-11-05. Review status: criteria provided, single submitter. Criteria: Invitae Variant Classification Sherloc (09022015). Collection method: clinical testing. Allele origin: germline.
Comment: This variant, c.68_82del, results in the deletion of 5 amino acid(s) of the GLUL protein (p.Gly23_Gln27del), but otherwise preserves the integrity of the reading frame. This variant is not present in population databases (gnomAD no frequency). This variant has not been reported in the literature in individuals affected with GLUL-related conditions. ClinVar contains an entry for this variant (Variation ID: 2023587). Experimental studies and prediction algorithms are not available or were not evaluated, and the functional significance of this variant is currently unknown. In summary, the available evidence is currently insufficient to determine the role of this variant in disease. Therefore, it has been classified as a Variant of Uncertain Significance.